The following is an entry in ClinVar:

ClinVar aggregate classification (germline): Uncertain significance (1 of 4 stars; one submission).

Conditions:
Niemann-Pick disease, type C2 (NPC2). Identifiers: Orphanet 646, MedGen C1843366, MONDO:0011873, OMIM 607625.

gnomAD v4.1: 1 of 1,613,350 alleles (0.000062%); highest among the groups gnomAD compares: African/African-American, 0.0013%; no homozygotes.

Submission:

Labcorp Genetics (formerly Invitae), Labcorp
Classification: Uncertain significance for Niemann-Pick disease, type C2. Last evaluated: 2022-10-05. Review status: criteria provided, single submitter. Criteria: Invitae Variant Classification Sherloc (09022015). Collection method: clinical testing. Allele origin: germline.
Comment: This sequence change replaces valine, which is neutral and non-polar, with leucine, which is neutral and non-polar, at codon 125 of the NPC2 protein (p.Val125Leu). This variant is not present in population databases (gnomAD no frequency). This variant has not been reported in the literature in individuals affected with NPC2-related conditions. Algorithms developed to predict the effect of missense changes on protein structure and function output the following: SIFT: "Tolerated"; PolyPhen-2: "Benign"; Align-GVGD: "Class C0". The leucine amino acid residue is found in multiple mammalian species, which suggests that this missense change does not adversely affect protein function. In summary, the available evidence is currently insufficient to determine the role of this variant in disease. Therefore, it has been classified as a Variant of Uncertain Significance.

NM_006432.5(NPC2):c.373G>T (p.Val125Leu)

Gene: NPC2 (NPC intracellular cholesterol transporter 2; minus strand). Cytogenetic location: 14q24.3.
Variant type: single nucleotide variant.
Coding change: c.373G>T on transcript NM_006432.5 (MANE Select); coding-DNA position 373, G replaced by T.
Protein change: p.Val125Leu; replaces valine 125 with leucine.
Molecular consequence: missense variant. On other transcripts: intron variant (1).
Genome position (GRCh38, 1-based): chr14:74,480,770, C>A on the plus strand (G>T on the coding strand, the complement: NPC2 is on the minus strand). VCF-style: chr14-74480770-C-A. GRCh37 (hg19) VCF-style: chr14-74947473-C-A.
Other names: c.373G>T, p.Val125Leu (NM_001363688.1); c.364-482G>T (NM_001375440.1); short protein forms V125L.
Identifiers: ClinVar variation 2141320 (VCV002141320.1), dbSNP rs752134010, ClinGen allele CA263658866.
Genomic context (GRCh38, chr14:74,480,770, plus strand): 5'-CTGGGATTTCCCAGCAGAAGAGACTTTGGTTTTTGTCATCCTGAAGTTGCCACTCCACCA[C>A]CAGTTTTATCTGGAGAAAGAGAAAAATAATTGAGAAAAATGAAAATAGGACCTGACTTCT-3'
Protein context (NP_006423.1, residues 115-135): VKSEYPSIKL[Val125Leu]VEWQLQDDKN